The following is an entry in ClinVar:

ClinVar aggregate classification (germline): Uncertain significance (1 of 4 stars; one submission).

Conditions:
Periodic fever-infantile enterocolitis-autoinflammatory syndrome. Also called: Autoinflammation with infantile enterocolitis. Identifiers: Orphanet 436166, MedGen C4015067, MONDO:0014472, OMIM 616050.
Familial cold autoinflammatory syndrome 4 (FCAS4). Identifiers: Orphanet 47045, Orphanet 576349, MedGen C4015276, MONDO:0014498, OMIM 616115.

Allele frequency attached by ClinVar (database versions not stated): gnomAD exomes below 0.00001.
gnomAD v4.1: 2 of 1,614,194 alleles (0.00012%); highest among the groups gnomAD compares: Non-Finnish European, 0.00017%; no homozygotes.

Submission:

Labcorp Genetics (formerly Invitae), Labcorp
Classification: Uncertain significance for Periodic fever-infantile enterocolitis-autoinflammatory syndrome; Familial cold autoinflammatory syndrome 4. Last evaluated: 2022-11-15. Review status: criteria provided, single submitter. Criteria: Invitae Variant Classification Sherloc (09022015). Collection method: clinical testing. Allele origin: germline.
Comment: In summary, the available evidence is currently insufficient to determine the role of this variant in disease. Therefore, it has been classified as a Variant of Uncertain Significance. Advanced modeling of protein sequence and biophysical properties (such as structural, functional, and spatial information, amino acid conservation, physicochemical variation, residue mobility, and thermodynamic stability) performed at Invitae indicates that this missense variant is not expected to disrupt NLRC4 protein function. This sequence change replaces aspartic acid, which is acidic and polar, with glutamic acid, which is acidic and polar, at codon 419 of the NLRC4 protein (p.Asp419Glu). This variant is present in population databases (no rsID available, gnomAD 0.0009%). This variant has not been reported in the literature in individuals affected with NLRC4-related conditions.

NM_001199138.2(NLRC4):c.1257T>A (p.Asp419Glu)

Gene: NLRC4 (NLR family CARD domain containing 4; minus strand). Cytogenetic location: 2p22.3.
Variant type: single nucleotide variant.
Coding change: c.1257T>A on transcript NM_001199138.2 (MANE Select); coding-DNA position 1257, T replaced by A.
Protein change: p.Asp419Glu; replaces aspartic acid 419 with glutamic acid.
Molecular consequence: missense variant. On other transcripts: intron variant (1).
Genome position (GRCh38, 1-based): chr2:32,250,607, A>T on the plus strand (T>A on the coding strand, the complement: NLRC4 is on the minus strand). VCF-style: chr2-32250607-A-T. GRCh37 (hg19) VCF-style: chr2-32475676-A-T.
Other names: c.1257T>A, p.Asp419Glu (NM_001199139.2, NM_021209.5); c.262+1812T>A (NM_001302504.1); short protein forms D419E.
Identifiers: ClinVar variation 2931905 (VCV002931905.3), dbSNP rs1192407746, ClinGen allele CA346512945.
Genomic context (GRCh38, chr2:32,250,607, plus strand): 5'-ATACTTTGGCTTGAACCTTTGAGCTGTATATTTACAGAGGAGCCCAGTTGTCAGCAGGAC[A>T]TCCTCATTCACGCTGGACACATCCTGCAGTTCGAAATCAAACTTGTGGGAGAACACACCC-3'
Protein context (NP_001186067.1, residues 409-429): ELQDVSSVNE[Asp419Glu]VLLTTGLLCK